The following is an entry in ClinVar:

ClinVar aggregate classification (germline): Uncertain significance (1 of 4 stars; one submission).

Conditions:
Hematuria, benign familial, 1 (BFH1). Also called: THIN MEMBRANE NEPHROPATHY. Identifiers: MedGen CN376803, MONDO:0007709, OMIM 141200.
Autosomal recessive Alport syndrome (ATS2). Also called: COL4A3-Related Nephropathy; COL4A4 Alport Syndrome and Thin Basement Membrane Nephropathy; Alport syndrome type 2; ALPORT SYNDROME 2, AUTOSOMAL RECESSIVE. Identifiers: Orphanet 63, Orphanet 88919, MedGen C4746745, MONDO:0008762, OMIM 203780.

Submission:

Juno Genomics, Hangzhou Juno Genomics, Inc
Classification: Uncertain significance for Autosomal recessive Alport syndrome; Hematuria, benign familial, 1. Review status: criteria provided, single submitter. Criteria: ACMG Guidelines, 2015. Collection method: clinical testing. Allele origin: germline. Affected: yes.
Comment: The prevalence of the variant in affected individuals is significantly increased compared to the prevalence in controls.;Absent from controls (or at extremely low frequency if recessive) in Genome Aggregation Database, Exome Sequencing Project, 1000 Genomes Project, or Exome Aggregation Consortium.;Multiple lines of computational evidence support a deleterious effect on the gene or gene product (conservation, evolutionary, splicing impact, etc).;Patient's phenotype or family history is highly specific for a disease with a single genetic etiology.

NM_000092.5(COL4A4):c.3469G>T (p.Gly1157Trp)

Gene: COL4A4 (collagen type IV alpha 4 chain; minus strand). Cytogenetic location: 2q36.3.
Variant type: single nucleotide variant.
Coding change: c.3469G>T on transcript NM_000092.5 (MANE Select); coding-DNA position 3469, G replaced by T.
Protein change: p.Gly1157Trp; replaces glycine 1157 with tryptophan.
Molecular consequence: missense variant.
Genome position (GRCh38, 1-based): chr2:227,042,184, C>A on the plus strand (G>T on the coding strand, the complement: COL4A4 is on the minus strand). VCF-style: chr2-227042184-C-A. GRCh37 (hg19) VCF-style: chr2-227906900-C-A.
Other names: short protein forms G1157W.
Identifiers: ClinVar variation 3381880 (VCV003381880.2).